The following is an entry in ClinVar:

ClinVar aggregate classification (germline): Uncertain significance (1 of 4 stars; one submission).

gnomAD v4.1: 4 of 1,613,252 alleles (0.00025%); highest among the groups gnomAD compares: Non-Finnish European, 0.00025%; no homozygotes.

Submission:

CeGaT Center for Human Genetics Tuebingen
Classification: Uncertain significance. Last evaluated: 2026-06-01. Review status: criteria provided, single submitter. Criteria: CeGaT Center For Human Genetics Tuebingen Variant Classification Criteria Version 2. Collection method: clinical testing. Allele origin: germline. Affected: yes. Observed: 1 variant allele.
Comment: ATP1A1: PM2, BP4

NM_000701.8(ATP1A1):c.1661-5C>T

Genes: ATP1A1 (ATPase Na+/K+ transporting subunit alpha 1; plus strand), ATP1A1-AS1 (ATP1A1 antisense RNA 1; minus strand). Cytogenetic location: 1p13.1.
Variant type: single nucleotide variant.
Coding change: c.1661-5C>T on transcript NM_000701.8 (MANE Select); 5 bases into the intron before coding-DNA position 1661, C replaced by T.
Molecular consequence: intron variant.
Genome position (GRCh38, 1-based): chr1:116,395,105, C>T. VCF-style: chr1-116395105-C-T. GRCh37 (hg19) VCF-style: chr1-116937727-C-T.
Other names: c.1661-5C>T (NM_001160233.2); c.1568-5C>T (NM_001160234.2).
Identifiers: ClinVar variation 4873529 (VCV004873529.2).
Genomic context (GRCh38, chr1:116,395,105, plus strand): 5'-CTGCTGTTGTCCTTCTTACTGCCCAGCGTCACTGAAATTTTCAAAGGCTCCTGTCCTCCT[C>T]GCAGGTTTCTGCCACCTCTTTCTGCCAGATGAACAGTTTCCTGAAGGGTTCCAGTTTGAC-3'